The following is an entry in ClinVar:

NM_004820.5(CYP7B1):c.173dup (p.Val59fs)

Gene: CYP7B1 (cytochrome P450 family 7 subfamily B member 1; minus strand). Cytogenetic location: 8q12.3.
Variant type: Duplication.
Coding change: c.173dup on transcript NM_004820.5 (MANE Select); coding-DNA position 173, one base duplicated (T; older notation c.173dupT).
Protein change: p.Val59fs; shifts the reading frame from valine 59.
Molecular consequence: frameshift variant.
Genome position (GRCh38, 1-based): chr8:64,624,489, A duplicated on the plus strand (T on the coding strand, the reverse complement: CYP7B1 is on the minus strand). VCF-style (leftmost placement, unchanged base first): chr8-64624488-C-CA. GRCh37 (hg19) VCF-style: chr8-65537045-C-CA.
Other names: c.173dup, p.Val59fs (NM_001324112.2); short protein forms V59fs.
Identifiers: ClinVar variation 1948567 (VCV001948567.6), dbSNP rs1563367625, ClinGen allele CA582409116.

ClinVar aggregate classification (germline): Pathogenic/Likely pathogenic. Review status: criteria provided, multiple submitters, no conflicts (2 of 4 stars). 2 submissions from 2 submitters: Pathogenic (1); Likely pathogenic (1). Last evaluated 2024-11-08.

Conditions:
CYP7B1-related disorder. Also called: CYP7B1-related condition.
Spastic paraplegia. Identifiers: MedGen C0037772, HP:0001258.

Allele frequency attached by ClinVar (database versions not stated): gnomAD exomes below 0.00001.

Submissions (2):

Blueprint Genetics
Classification: Likely pathogenic for CYP7B1-related disorders. Last evaluated: 2024-11-08. Review status: criteria provided, single submitter. Criteria: ACMG Guidelines, 2015. Collection method: clinical testing. Allele origin: germline. Affected: yes. Observed: 1 variant allele.

Labcorp Genetics (formerly Invitae), Labcorp
Classification: Pathogenic for Spastic paraplegia. Last evaluated: 2022-11-02. Review status: criteria provided, single submitter. Criteria: Invitae Variant Classification Sherloc (09022015). Collection method: clinical testing. Allele origin: germline.
Comment: This sequence change creates a premature translational stop signal (p.Val59Glyfs*21) in the CYP7B1 gene. It is expected to result in an absent or disrupted protein product. Loss-of-function variants in CYP7B1 are known to be pathogenic (PMID: 9802883, 19363635, 19439420, 21541746, 21567895, 28039895). This variant is present in population databases (no rsID available, gnomAD 0.006%). This variant has not been reported in the literature in individuals affected with CYP7B1-related conditions. For these reasons, this variant has been classified as Pathogenic.

Literature cited by the submitters: PubMed 9802883 (cited by Labcorp Genetics (formerly Invitae), Labcorp); PubMed 19363635 (cited by Labcorp Genetics (formerly Invitae), Labcorp); PubMed 19439420 (cited by Labcorp Genetics (formerly Invitae), Labcorp); PubMed 21541746 (cited by Labcorp Genetics (formerly Invitae), Labcorp); PubMed 21567895 (cited by Labcorp Genetics (formerly Invitae), Labcorp); PubMed 28039895 (cited by Labcorp Genetics (formerly Invitae), Labcorp).